The following is an entry in ClinVar:

ClinVar aggregate classification (germline): Uncertain significance (1 of 4 stars; one submission).

Submission:

Labcorp Genetics (formerly Invitae), Labcorp
Classification: Uncertain significance. Last evaluated: 2023-07-12. Review status: criteria provided, single submitter. Criteria: Invitae Variant Classification Sherloc (09022015). Collection method: clinical testing. Allele origin: germline.
Comment: This variant is not present in population databases (gnomAD no frequency). In summary, the available evidence is currently insufficient to determine the role of this variant in disease. Therefore, it has been classified as a Variant of Uncertain Significance. This variant has not been reported in the literature in individuals affected with IRF2BP2-related conditions. This sequence change creates a premature translational stop signal (p.Leu86Serfs*72) in the IRF2BP2 gene. It is expected to result in an absent or disrupted protein product. However, the current clinical and genetic evidence is not sufficient to establish whether loss-of-function variants in IRF2BP2 cause disease.

NM_182972.3(IRF2BP2):c.244_254dup (p.Leu86fs)

Genes: IRF2BP2 (interferon regulatory factor 2 binding protein 2; minus strand), LOC129932812 (ATAC-STARR-seq lymphoblastoid silent region 1977; plus strand). Cytogenetic location: 1q42.3.
Variant type: Duplication.
Coding change: c.244_254dup on transcript NM_182972.3 (MANE Select); coding-DNA positions 244 to 254, 11 bases duplicated (AAGCCGCCGCC).
Protein change: p.Leu86fs; shifts the reading frame from leucine 86.
Molecular consequence: frameshift variant.
Genome position (GRCh38, 1-based): chr1:234,609,241-234,609,251, GGCGGCGGCTT duplicated on the plus strand (AAGCCGCCGCC on the coding strand, the reverse complement: IRF2BP2 is on the minus strand); duplicating any 11 consecutive bases within chr1:234,609,241-234,609,260 gives the same sequence; the c. name uses the placement nearest the transcript's 3' end. VCF-style (leftmost placement, unchanged base first): chr1-234609240-C-CGGCGGCGGCTT. GRCh37 (hg19) VCF-style: chr1-234744986-C-CGGCGGCGGCTT.
Other names: c.244_254dup, p.Leu86fs (NM_001077397.1); short protein forms L86fs.
Identifiers: ClinVar variation 2724193 (VCV002724193.3), dbSNP rs2528523284, ClinGen allele CA2697554982.